The following is an entry in ClinVar:

ClinVar aggregate classification (germline): Uncertain significance. Review status: criteria provided, multiple submitters, no conflicts (2 of 4 stars). 4 submissions from 4 submitters: Uncertain significance (4). Last evaluated 2025-06-12.

Conditions:
Inborn genetic diseases. Identifiers: MedGen C0950123, MeSH D030342.
Infantile nephronophthisis (NPHP2). Also called: Nephronophthisis 2; Nephronophthisis 2, infantile. Identifiers: Orphanet 655, Orphanet 93591, MedGen C1865872, MONDO:0011190, OMIM 602088.
Nephronophthisis. Also called: Juvenile Nephronophthisis. Identifiers: Orphanet 655, MedGen C0687120, MONDO:0019005, HP:0000090.

Allele frequency attached by ClinVar (database versions not stated): gnomAD exomes 0.00001 and 0.00003; ExAC 0.00004; gnomAD 0.00008 and 0.00007; TOPMed 0.00004; ESP Exome Variant Server 0.00008.
gnomAD v4.1: 27 of 1,614,000 alleles (0.0017%); highest among the groups gnomAD compares: African/African-American, 0.015%; no homozygotes.

Submissions (4):

Ambry Genetics
Classification: Uncertain significance for Inborn genetic diseases. Last evaluated: 2025-06-12. Review status: criteria provided, single submitter. Criteria: Ambry Variant Classification Scheme 2023. Collection method: clinical testing. Allele origin: germline.

Fulgent Genetics
Classification: Uncertain significance for Infantile nephronophthisis. Last evaluated: 2024-01-24. Review status: criteria provided, single submitter. Criteria: ACMG Guidelines, 2015. Collection method: clinical testing. Allele origin: germline.

Labcorp Genetics (formerly Invitae), Labcorp
Classification: Uncertain significance for Nephronophthisis. Last evaluated: 2022-07-01. Review status: criteria provided, single submitter. Criteria: Invitae Variant Classification Sherloc (09022015). Collection method: clinical testing. Allele origin: germline.
Comment: This sequence change replaces arginine, which is basic and polar, with tryptophan, which is neutral and slightly polar, at codon 734 of the INVS protein (p.Arg734Trp). This variant is present in population databases (rs370949695, gnomAD 0.04%). This variant has not been reported in the literature in individuals affected with INVS-related conditions. ClinVar contains an entry for this variant (Variation ID: 289548). Algorithms developed to predict the effect of missense changes on protein structure and function are either unavailable or do not agree on the potential impact of this missense change (SIFT: "Tolerated"; PolyPhen-2: "Possibly Damaging"; Align-GVGD: "Class C0"). In summary, the available evidence is currently insufficient to determine the role of this variant in disease. Therefore, it has been classified as a Variant of Uncertain Significance.

Eurofins Ntd Llc (ga)
Classification: Uncertain significance. Last evaluated: 2016-07-14. Review status: criteria provided, single submitter. Criteria: EGL Classification Definitions 2015. Collection method: clinical testing. Allele origin: germline. Observed: 1 variant allele, 1 heterozygote.

NM_014425.5(INVS):c.2200C>T (p.Arg734Trp)

Gene: INVS (inversin; plus strand). Cytogenetic location: 9q31.1.
Variant type: single nucleotide variant.
Coding change: c.2200C>T on transcript NM_014425.5 (MANE Select); coding-DNA position 2200, C replaced by T.
Protein change: p.Arg734Trp; replaces arginine 734 with tryptophan.
Molecular consequence: missense variant. On other transcripts: non-coding transcript variant (1).
Genome position (GRCh38, 1-based): chr9:100,292,457, C>T. VCF-style: chr9-100292457-C-T. GRCh37 (hg19) VCF-style: chr9-103054739-C-T.
Other names: c.1912C>T, p.Arg638Trp (NM_001318381.2); c.1222C>T, p.Arg408Trp (NM_001318382.2); c.2200C>T (NM_014425.2); short protein forms R734W, R638W, R408W.
Identifiers: ClinVar variation 289548 (VCV000289548.12), dbSNP rs370949695, ClinGen allele CA5158579.